The following is an entry in ClinVar:

ClinVar aggregate classification (germline): Uncertain significance. Review status: criteria provided, multiple submitters, no conflicts (2 of 4 stars). 3 submissions from 3 submitters: Uncertain significance (3). Last evaluated 2025-03-21.

Conditions:
Atelosteogenesis type I. Also called: Atelosteogenesis Type 1 (FLNB-AO1); GIANT CELL CHONDRODYSPLASIA; SPONDYLOHUMEROFEMORAL HYPOPLASIA. Identifiers: Orphanet 1190, MedGen C0265283, MONDO:0007167, OMIM 108720.
Atelosteogenesis type III. Also called: Atelosteogenesis Type 3 (FLNB-AO3). Identifiers: Orphanet 56305, MedGen C3668942, MONDO:0007168, OMIM 108721.
Larsen syndrome (LRS). Also called: Bilateral dislocation of the knees, pes cavus, cylindrically shaped fingers and characteristic facies; Larsen syndrome (FLNB-LS). Identifiers: Orphanet 503, MedGen C0175778, MONDO:0007875, OMIM 150250. Disease mechanism: loss of function.
Inborn genetic diseases. Identifiers: MedGen C0950123, MeSH D030342.

Allele frequency attached by ClinVar (database versions not stated): ESP Exome Variant Server 0.00015; ExAC 0.00003; gnomAD 0.00003; gnomAD exomes 0.00004; TOPMed 0.00004.
gnomAD v4.1: 53 of 1,614,040 alleles (0.0033%); highest among the groups gnomAD compares: South Asian, 0.0088%; no homozygotes.

Submissions (3):

Labcorp Genetics (formerly Invitae), Labcorp
Classification: Uncertain significance. Last evaluated: 2025-03-21. Review status: criteria provided, single submitter. Criteria: Invitae Variant Classification Sherloc (09022015). Collection method: clinical testing. Allele origin: germline.
Comment: This sequence change replaces valine, which is neutral and non-polar, with isoleucine, which is neutral and non-polar, at codon 2575 of the FLNB protein (p.Val2575Ile). This variant is present in population databases (rs369949841, gnomAD 0.01%). This variant has not been reported in the literature in individuals affected with FLNB-related conditions. ClinVar contains an entry for this variant (Variation ID: 986736). Invitae Evidence Modeling of protein sequence and biophysical properties (such as structural, functional, and spatial information, amino acid conservation, physicochemical variation, residue mobility, and thermodynamic stability) indicates that this missense variant is not expected to disrupt FLNB protein function with a negative predictive value of 80%. In summary, the available evidence is currently insufficient to determine the role of this variant in disease. Therefore, it has been classified as a Variant of Uncertain Significance.

Ambry Genetics
Classification: Uncertain significance for Inborn genetic diseases. Last evaluated: 2021-08-09. Review status: criteria provided, single submitter. Criteria: Ambry Variant Classification Scheme 2023. Collection method: clinical testing. Allele origin: germline.

Foundation for Research in Genetics and Endocrinology, FRIGE's Institute of Human Genetics
Classification: Uncertain significance for Atelosteogenesis type III; Larsen syndrome; Atelosteogenesis type I. Last evaluated: 2020-10-13. Review status: criteria provided, single submitter. Criteria: ACMG Guidelines, 2015. Collection method: clinical testing. Allele origin: germline. Inheritance: Autosomal dominant inheritance. Affected: yes. Observed: 1 heterozygote.
Comment: A heterozygous missense variation in exon 47 of the FLNB gene that results in the amino acid substitution of Isoleucine for Valine at codon 2606 was detected. The observed variant c.7816G>A (p.Val2606Ile) has not been reported in the 1000 genomes and has a minor allele frequency of 0.004% in the gnomAD database. The in silico prediction of the variant is damaging by LRT and MutationTaster2. The reference codon is conserved across mammals. In summary, the variant meets our criteria to be classified as a variant of uncertain significance.

NM_001457.4(FLNB):c.7723G>A (p.Val2575Ile)

Gene: FLNB (filamin B; plus strand). Cytogenetic location: 3p14.3.
Variant type: single nucleotide variant.
Coding change: c.7723G>A on transcript NM_001457.4 (MANE Select); coding-DNA position 7723, G replaced by A.
Protein change: p.Val2575Ile; replaces valine 2575 with isoleucine.
Molecular consequence: missense variant.
Genome position (GRCh38, 1-based): chr3:58,170,676, G>A. VCF-style: chr3-58170676-G-A. GRCh37 (hg19) VCF-style: chr3-58156403-G-A.
Other names: c.7816G>A, p.Val2606Ile (NM_001164317.2); c.7690G>A, p.Val2564Ile (NM_001164318.2); c.7651G>A, p.Val2551Ile (NM_001164319.2); c.7723G>A (NM_001457.3); short protein forms V2551I, V2564I, V2575I, V2606I.
Identifiers: ClinVar variation 986736 (VCV000986736.8), dbSNP rs369949841, ClinGen allele CA2469778.
Genomic context (GRCh38, chr3:58,170,676, plus strand): 5'-CCCTGCGAGGAGGTCTCCATGAAGCATGTAGGCAACCAGCAATACAACGTCACATACGTC[G>A]TCAAGGAGAGGGGCGATTATGTGCTGGCTGTGAAGTGGGGGGAGGAACACATCCCTGGCA-3'
Protein context (NP_001448.2, residues 2565-2585): GNQQYNVTYV[Val2575Ile]KERGDYVLAV